The following is an entry in ClinVar:

NM_000053.4(ATP7B):c.1324G>T (p.Gly442Trp)

Gene: ATP7B (ATPase copper transporting beta; minus strand). Cytogenetic location: 13q14.3.
Variant type: single nucleotide variant.
Coding change: c.1324G>T on transcript NM_000053.4 (MANE Select); coding-DNA position 1324, G replaced by T.
Protein change: p.Gly442Trp; replaces glycine 442 with tryptophan.
Molecular consequence: missense variant.
Genome position (GRCh38, 1-based): chr13:51,970,711, C>A on the plus strand (G>T on the coding strand, the complement: ATP7B is on the minus strand). VCF-style: chr13-51970711-C-A. GRCh37 (hg19) VCF-style: chr13-52544847-C-A.
Other names: c.1324G>T, p.Gly442Trp (NM_001005918.3, NM_001330578.2, NM_001330579.2); c.991G>T, p.Gly331Trp (NM_001243182.2); short protein forms G331W, G442W.
Identifiers: ClinVar variation 1406022 (VCV001406022.5), dbSNP rs776135837, ClinGen allele CA6989375.

ClinVar aggregate classification (germline): Uncertain significance (1 of 4 stars; one submission).

Conditions:
Wilson disease (WND). Also called: Wilson's disease. Identifiers: Orphanet 905, MedGen C0019202, MONDO:0010200, OMIM 277900. Disease mechanism: loss of function.

Allele frequency attached by ClinVar (database versions not stated): gnomAD exomes 0.00001; ExAC 0.00002.
gnomAD v4.1: 4 of 1,614,114 alleles (0.00025%); highest among the groups gnomAD compares: East Asian, 0.0089%; no homozygotes.

Submission:

Labcorp Genetics (formerly Invitae), Labcorp
Classification: Uncertain significance for Wilson disease. Last evaluated: 2021-08-20. Review status: criteria provided, single submitter. Criteria: Invitae Variant Classification Sherloc (09022015). Collection method: clinical testing. Allele origin: germline.
Comment: This sequence change replaces glycine with tryptophan at codon 442 of the ATP7B protein (p.Gly442Trp). The glycine residue is moderately conserved and there is a large physicochemical difference between glycine and tryptophan. This variant is present in population databases (rs776135837, ExAC 0.02%). This variant has not been reported in the literature in individuals affected with ATP7B-related conditions. Advanced modeling of protein sequence and biophysical properties (such as structural, functional, and spatial information, amino acid conservation, physicochemical variation, residue mobility, and thermodynamic stability) performed at Invitae indicates that this missense variant is not expected to disrupt ATP7B protein function. In summary, the available evidence is currently insufficient to determine the role of this variant in disease. Therefore, it has been classified as a Variant of Uncertain Significance.